The following is an entry in ClinVar:

ClinVar aggregate classification (germline): Pathogenic. Review status: criteria provided, multiple submitters, no conflicts (2 of 4 stars). 15 submissions from 15 submitters: Pathogenic (14). 1 of the submissions does not count toward it. Last evaluated 2026-09-08.

Conditions:
PALB2-related disorder. Also called: PALB2-related condition; PALB2-related disorders.
Hereditary cancer-predisposing syndrome. Also called: Neoplastic Syndromes, Hereditary; Hereditary Cancer Syndrome; Tumor predisposition; Hereditary neoplastic syndrome. Identifiers: Orphanet 140162, MedGen C0027672, MeSH D009386, MONDO:0015356.
Hereditary breast ovarian cancer syndrome. Also called: BRCA1- and BRCA2-Associated Hereditary Breast and Ovarian Cancer; Hereditary breast and ovarian cancer syndrome (HBOC); Hereditary breast and ovarian cancer syndrome; Hereditary breast and ovarian cancer; Hereditary breast and/or ovarian cancer syndrome; Breast and ovarian cancer. Identifiers: Orphanet 145, MedGen C0677776, MeSH D061325, MONDO:0003582. Disease mechanism: loss of function.
Familial cancer of breast. Also called: Hereditary breast cancer; hereditary breast carcinoma; BREAST CANCER, FAMILIAL. Identifiers: Orphanet 227535, MedGen C0346153, MONDO:0016419, OMIM 114480. Disease mechanism: loss of function.

Submissions 1 to 10 of 15:

Ambry Genetics
Classification: Pathogenic for Hereditary cancer-predisposing syndrome. Last evaluated: 2026-09-08. Review status: criteria provided, single submitter. Criteria: Ambry Variant Classification Scheme 2023. Collection method: clinical testing. Allele origin: germline.
Comment: The c.2411_2412delCT (p.S804Cfs*10) alteration, located in exon 5 (coding exon 5) of the PALB2 gene, consists of a deletion of 2 nucleotides from position 2411 to 2412, causing a translational frameshift with a predicted alternate stop codon after 10 amino acids. This alteration is expected to result in loss of function by premature protein truncation or nonsense-mediated mRNA decay. Based on data from gnomAD, the c.2411_2412delCT allele has an overall frequency of 0.002% (5/282858) total alleles studied. The highest observed frequency was 0.011% (4/35428) of Latino alleles. This alteration has been detected in multiple breast cancer patients (Antoniou, 2014; Snyder, 2015; Wong, 2016; Weitzel, 2019; Ademuyiwa, 2019; Zhou, 2020; Breast Cancer Association, 2021) as well as a patient with prostate cancer (Matejcic, 2020). Based on the available evidence, this alteration is classified as pathogenic.

Labcorp Genetics (formerly Invitae), Labcorp
Classification: Pathogenic for Familial cancer of breast. Last evaluated: 2026-01-05. Review status: criteria provided, single submitter. Criteria: Invitae Variant Classification Sherloc (09022015). Collection method: clinical testing. Allele origin: germline.
Comment: This sequence change creates a premature translational stop signal (p.Ser804Cysfs*10) in the PALB2 gene. It is expected to result in an absent or disrupted protein product. Loss-of-function variants in PALB2 are known to be pathogenic (PMID: 17200668, 17200671, 17200672, 24136930, 25099575). This variant is present in population databases (rs747148023, gnomAD 0.009%). This premature translational stop signal has been observed in individual(s) with breast cancer (PMID: 25794774). ClinVar contains an entry for this variant (Variation ID: 231143). For these reasons, this variant has been classified as Pathogenic.

CeGaT Center for Human Genetics Tuebingen
Classification: Pathogenic. Last evaluated: 2025-09-01. Review status: criteria provided, single submitter. Criteria: CeGaT Center For Human Genetics Tuebingen Variant Classification Criteria Version 2. Collection method: clinical testing. Allele origin: germline. Affected: yes. Observed: 1 variant allele.
Comment: PALB2: PVS1, PS4, PM2:Supporting

Quest Diagnostics Nichols Institute San Juan Capistrano
Classification: Pathogenic. Last evaluated: 2024-08-09. Review status: criteria provided, single submitter. Criteria: Quest Diagnostics criteria. Collection method: clinical testing. Allele origin: unknown.
Comment: The PALB2 c.2411_2412del (p.Ser804Cysfs*10) variant alters the translational reading frame of the PALB2 mRNA and causes the premature termination of PALB2 protein synthesis. This variant has been reported in the published literature in individuals with breast cancer (PMID: 25337758 (2014), 25794774 (2015), 29263802 (2016), 31206626 (2019), 32339256 (2020), 33471991 (2021), 38355628 (2024), see also LOVD). The frequency of this variant in the general population, 0.00011 (4/35428 chromosomes (Genome Aggregation Database)), is consistent with pathogenicity. Based on the available information, this variant is classified as pathogenic.

GeneDx
Classification: Pathogenic. Last evaluated: 2024-05-09. Review status: criteria provided, single submitter. Criteria: GeneDx Variant Classification Process June 2021. Collection method: clinical testing. Allele origin: germline. Affected: yes.
Comment: Frameshift variant predicted to result in protein truncation or nonsense mediated decay in a gene for which loss of function is a known mechanism of disease; Not observed at significant frequency in large population cohorts (gnomAD); Truncating variants in this gene are considered pathogenic by a well-established clinical consortium and/or database; This variant is associated with the following publications: (PMID: 25794774, 29263802, 31206626, 25337758, 31325073, 31447099, 28492532, 32832836, 32339256, 35406420, 37651980, 35534676, 34621001, 29922827)

Baylor Genetics
Classification: Pathogenic for Familial cancer of breast. Last evaluated: 2024-03-21. Review status: criteria provided, single submitter. Criteria: ACMG Guidelines, 2015. Collection method: clinical testing. Allele origin: unknown.

Rady Children's Institute for Genomic Medicine, Rady Children's Hospital San Diego
Classification: Pathogenic for PALB2-related disorder. Last evaluated: 2024-01-24. Review status: criteria provided, single submitter. Criteria: ACMG Guidelines, 2015. Collection method: clinical testing. Allele origin: germline. Affected: yes.
Comment: This frameshifting variant in exon 5 of 13 is predicted to result in loss of normal protein function through either protein truncation or nonsense-mediated mRNA decay. Loss-of-function variation in PALB2 is an established mechanism of disease (PMID: 17200668). This variant has been previously reported as a heterozygous change in individuals with breast cancer and PALB2-associated cancers (PMID: 25794774, 31206626, 31447099, 32832836, 32339256). The c.2411_2412del (p.Ser804CysfsTer10) variant is present in the heterozygous state in the gnomAD v4 population database at a frequency of 0.001% (7/780956), and is absent in the homozygous state, thus is presumed to be rare. Based on the available evidence, c.2411_2412del (p.Ser804CysfsTer10) is classified as Pathogenic.

Myriad Genetics, Inc.
Classification: Pathogenic for Familial cancer of breast. Last evaluated: 2023-03-30. Review status: criteria provided, single submitter. Criteria: Myriad Autosomal Dominant, Autosomal Recessive and X-Linked Classification Criteria (2023). Collection method: clinical testing. Allele origin: unknown.
Comment: This variant is considered pathogenic. This variant creates a frameshift predicted to result in premature protein truncation.

ARUP Laboratories, Molecular Genetics and Genomics, ARUP Laboratories
Classification: Pathogenic. Last evaluated: 2023-01-05. Review status: criteria provided, single submitter. Criteria: ARUP Molecular Germline Variant Investigation Process 2024. Collection method: clinical testing. Allele origin: germline.
Comment: The PALB2 c.2411_2412delCT; p.Ser804CysfsTer10 variant (rs747148023) is reported in the literature in multiple individuals affected with breast cancer or prostate cancer (Matejcic 2020, Snyder 2015, Weitzel 2019, Zhou 2020). This variant is found in the general population with an overall allele frequency of 0.002% (5/282,858 alleles) in the Genome Aggregation Database. This variant causes a frameshift by deleting two nucleotides, so it is predicted to result in a truncated protein or mRNA subject to nonsense-mediated decay. Based on available information, this variant is considered to be pathogenic. References: Matejcic M et al. Pathogenic Variants in Cancer Predisposition Genes and Prostate Cancer Risk in Men of African Ancestry. JCO Precis Oncol. 2020;4:32-43. PMID: 32832836. Snyder C et al. Prevalence of PALB2 mutations in the Creighton University Breast Cancer Family Registry. Breast Cancer Res Treat. 2015 Apr;150(3):637-41. PMID: 25794774. Weitzel JN et al. Pathogenic and likely pathogenic variants in PALB2, CHEK2, and other known breast cancer susceptibility genes among 1054 BRCA-negative Hispanics with breast cancer. Cancer. 2019 Aug 15;125(16):2829-2836. PMID: 31206626. Zhou et al. Spectrum of PALB2 germline mutations and characteristics of PALB2-related breast cancer: Screening of 16,501 unselected patients with breast cancer and 5890 controls by next-generation sequencing. Cancer. 2020 Jul 15;126(14):3202-3208. PMID: 32339256.

Women's Health and Genetics/Laboratory Corporation of America, LabCorp
Classification: Pathogenic for Hereditary breast ovarian cancer syndrome. Last evaluated: 2022-10-13. Review status: criteria provided, single submitter. Criteria: LabCorp Variant Classification Summary - May 2015. Collection method: clinical testing. Allele origin: germline.
Comment: Variant summary: PALB2 c.2411_2412delCT (p.Ser804CysfsX10) results in a premature termination codon, predicted to cause a truncation of the encoded protein or absence of the protein due to nonsense mediated decay, which are commonly known mechanisms for disease. Truncations downstream of this position have been classified as pathogenic by our laboratory. The variant allele was found at a frequency of 1.6e-05 in 251462 control chromosomes. c.2411_2412delCT has been reported in the literature in individuals affected with Hereditary Breast And Ovarian Cancer Syndrome. These data indicate that the variant is likely to be associated with disease. Nine clinical diagnostic laboratories have submitted clinical-significance assessments for this variant to ClinVar after 2014 without evidence for independent evaluation. All laboratories classified the variant as pathogenic/likely pathogenic. Based on the evidence outlined above, the variant was classified as pathogenic.

NM_024675.4(PALB2):c.2411_2412del (p.Ser804fs)

Gene: PALB2 (partner and localizer of BRCA2; minus strand). Cytogenetic location: 16p12.2.
Variant type: Microsatellite.
Coding change: c.2411_2412del on transcript NM_024675.4 (MANE Select); coding-DNA positions 2411 to 2412, 2 bases deleted (CT; older notation c.2411_2412delCT).
Protein change: p.Ser804fs; shifts the reading frame from serine 804.
Molecular consequence: frameshift variant.
Genome position (GRCh38, 1-based): chr16:23,629,742-23,629,743, AG deleted on the plus strand (CT on the coding strand, the reverse complement: PALB2 is on the minus strand); deleting any 2 consecutive bases within chr16:23,629,742-23,629,745 gives the same sequence; the c. name uses the placement nearest the transcript's 3' end. VCF-style (leftmost placement, unchanged base first): chr16-23629741-CAG-C. GRCh37 (hg19) VCF-style: chr16-23641062-CAG-C.
Other names: c.2411_2412delCT (NM_024675.3); short protein forms S804fs.
Identifiers: ClinVar variation 231143 (VCV000231143.49), dbSNP rs747148023, ClinGen allele CA7963581.
Genomic context (GRCh38, chr16:23,629,741, plus strand): 5'-TACAGAGCTGATTTTCTTTAAAAGTGAATGACTCAATGGGTGGAGGTGTTCCTGGCGGGA[CAG>C]AGTCACAGTCACAGGTAGGTTGTCCTTGCCTGCCTGACACTTGCAGGGTGGTATGTGGTT-3'